The following is an entry in ClinVar:

NM_001377304.1(GFI1B):c.469T>C (p.Ser157Pro)

Gene: GFI1B (growth factor independent 1B transcriptional repressor; plus strand). Cytogenetic location: 9q34.13.
Variant type: single nucleotide variant.
Coding change: c.469T>C on transcript NM_001377304.1 (MANE Select); coding-DNA position 469, T replaced by C.
Protein change: p.Ser157Pro; replaces serine 157 with proline.
Molecular consequence: missense variant.
Genome position (GRCh38, 1-based): chr9:132,988,427, T>C. VCF-style: chr9-132988427-T-C. GRCh37 (hg19) VCF-style: chr9-135863814-T-C.
Other names: c.469T>C (NM_004188.6); c.469T>C, p.Ser157Pro (NM_001135031.2, NM_001371908.1, NM_001377305.1 and 1 more transcripts); short protein forms S157P.
Identifiers: ClinVar variation 2346239 (VCV002346239.4), dbSNP rs745314098, ClinGen allele CA5301946.
Genomic context (GRCh38, chr9:132,988,427, plus strand): 5'-CTGTACGGCAGTCCTCTTGTGCCCAGCACTGAGCCCGCCTTGGACTTCAGCCTCCGCTAC[T>C]CCCCAGGCATGGATGCGTACCACTGTGTGAAGTGCAACAAGGTGGGCAGCGGGGGGTGTG-3'
Protein context (NP_001364233.1, residues 147-167): EPALDFSLRY[Ser157Pro]PGMDAYHCVK

ClinVar aggregate classification (germline): Uncertain significance. Review status: criteria provided, multiple submitters, no conflicts (2 of 4 stars). 3 submissions from 3 submitters: Uncertain significance (2). 1 of the submissions does not count toward it. Last evaluated 2024-10-14.

Conditions:
Inborn genetic diseases. Identifiers: MedGen C0950123, MeSH D030342.
GFI1B-related disorder. Also called: GFI1B-related condition.

Allele frequency attached by ClinVar (database versions not stated): ExAC 0.00001; gnomAD 0.00001; gnomAD exomes 0.00001; TOPMed 0.00001.
gnomAD v4.1: 21 of 1,613,890 alleles (0.0013%); highest among the groups gnomAD compares: Non-Finnish European, 0.0017%; no homozygotes.

Submissions (3):

Blueprint Genetics
Classification: Uncertain significance. Last evaluated: 2024-10-14. Review status: criteria provided, single submitter. Criteria: ACMG Guidelines, 2015. Collection method: clinical testing. Allele origin: germline.

Ambry Genetics
Classification: Uncertain significance for Inborn genetic diseases. Last evaluated: 2021-09-27. Review status: criteria provided, single submitter. Criteria: Ambry Variant Classification Scheme 2023. Collection method: clinical testing. Allele origin: germline.

PreventionGenetics, part of Exact Sciences
Classification: Uncertain significance for GFI1B-related condition. Last evaluated: 2024-04-01. Review status: no assertion criteria provided. Collection method: clinical testing. Allele origin: germline. Not counted in ClinVar's aggregate classification.
Comment: The GFI1B c.469T>C variant is predicted to result in the amino acid substitution p.Ser157Pro. To our knowledge, this variant has not been reported in the literature. This variant is reported in 0.0023% of alleles in individuals of European (Non-Finnish) descent in gnomAD. At this time, the clinical significance of this variant is uncertain due to the absence of conclusive functional and genetic evidence.